The following is an entry in ClinVar:

ClinVar aggregate classification (germline): Pathogenic (1 of 4 stars; one submission).

Conditions:
LAMA2-related muscular dystrophy (LAMA2-RD). Also called: Laminin alpha 2-related dystrophy. Identifiers: MedGen C5679788, MONDO:0100228.

Submission:

Labcorp Genetics (formerly Invitae), Labcorp
Classification: Pathogenic for LAMA2-related muscular dystrophy. Last evaluated: 2021-03-24. Review status: criteria provided, single submitter. Criteria: Invitae Variant Classification Sherloc (09022015). Collection method: clinical testing. Allele origin: germline.
Comment: For these reasons, this variant has been classified as Pathogenic. This variant has not been reported in the literature in individuals with LAMA2-related conditions. This variant is not present in population databases (ExAC no frequency). This sequence change creates a premature translational stop signal (p.Asp2039Glyfs*11) in the LAMA2 gene. It is expected to result in an absent or disrupted protein product. Loss-of-function variants in LAMA2 are known to be pathogenic (PMID: 18700894).

Literature cited by the submitters: PubMed 18700894.

NM_000426.4(LAMA2):c.6115dup (p.Asp2039fs)

Genes: LAMA2 (laminin subunit alpha 2; plus strand), LOC123864065 (Sharpr-MPRA regulatory region 661; plus strand). Cytogenetic location: 6q22.33.
Variant type: Duplication.
Coding change: c.6115dup on transcript NM_000426.4 (MANE Select); coding-DNA position 6115, one base duplicated (G; older notation c.6115dupG).
Protein change: p.Asp2039fs; shifts the reading frame from aspartic acid 2039.
Molecular consequence: frameshift variant.
Genome position (GRCh38, 1-based): chr6:129,440,845, G duplicated; the last of 2 consecutive G bases (chr6:129,440,844-129,440,845); duplicating either gives the same sequence. VCF-style (leftmost placement, unchanged base first): chr6-129440843-A-AG. GRCh37 (hg19) VCF-style: chr6-129761988-A-AG.
Other names: c.6115dup, p.Asp2039fs (NM_001079823.2); short protein forms D2039fs.
Identifiers: ClinVar variation 1451914 (VCV001451914.6), dbSNP rs2114765432, ClinGen allele CA2573140480.
Genomic context (GRCh38, chr6:129,440,843, plus strand): 5'-TGTTTTGTTTTTCATACCCTCATCTGCTGACAGATACAGCTGCTAAACTGCAAGCTGTTA[A>AG]GGACAAAGCCAGACAAGCCAACGACACAGCTAAAGATGTACTGGCACAGATTACAGAGCT-3'